The following is an entry in ClinVar:

ClinVar aggregate classification (germline): Uncertain significance (1 of 4 stars; one submission).

Allele frequency attached by ClinVar (database versions not stated): gnomAD exomes below 0.00001.
gnomAD v4.1: 2 of 1,614,144 alleles (0.00012%); highest among the groups gnomAD compares: Middle Eastern, 0.016%; no homozygotes.

Submission:

Mayo Clinic Laboratories, Mayo Clinic
Classification: Uncertain significance. Last evaluated: 2023-05-22. Review status: criteria provided, single submitter. Criteria: ACMG Guidelines, 2015. Collection method: clinical testing. Allele origin: germline. Observed: 1 variant allele.
Comment: BP4

Literature cited by the submitters: PubMed 35141357.

NM_001134407.3(GRIN2A):c.3766G>A (p.Glu1256Lys)

Gene: GRIN2A (glutamate ionotropic receptor NMDA type subunit 2A; minus strand). Cytogenetic location: 16p13.2.
Variant type: single nucleotide variant.
Coding change: c.3766G>A on transcript NM_001134407.3 (MANE Select); coding-DNA position 3766, G replaced by A.
Protein change: p.Glu1256Lys; replaces glutamic acid 1256 with lysine.
Molecular consequence: missense variant.
Genome position (GRCh38, 1-based): chr16:9,763,778, C>T on the plus strand (G>A on the coding strand, the complement: GRIN2A is on the minus strand). VCF-style: chr16-9763778-C-T. GRCh37 (hg19) VCF-style: chr16-9857635-C-T.
Other names: p.Glu1256Lys; c.3766G>A, p.Glu1256Lys (NM_000833.5, NM_001134408.2); short protein forms E1256K.
Identifiers: ClinVar variation 2683346 (VCV002683346.1), dbSNP rs866748846, ClinGen allele CA277536704.